The following is an entry in ClinVar:

ClinVar aggregate classification (germline): Uncertain significance (1 of 4 stars; one submission).

Conditions:
Inosine triphosphatase deficiency. Also called: INOSINE TRIPHOSPHATE PYROPHOSPHOHYDROLASE DEFICIENCY. Identifiers: MedGen C0342800, MONDO:0013461, OMIM 613850.

gnomAD v4.1: 1 of 1,613,906 alleles (0.000062%); no homozygotes.

Submission:

Labcorp Genetics (formerly Invitae), Labcorp
Classification: Uncertain significance for Inosine triphosphatase deficiency. Last evaluated: 2022-01-17. Review status: criteria provided, single submitter. Criteria: Invitae Variant Classification Sherloc (09022015). Collection method: clinical testing. Allele origin: germline.
Comment: This sequence change replaces serine, which is neutral and polar, with proline, which is neutral and non-polar, at codon 176 of the ITPA protein (p.Ser176Pro). This variant is not present in population databases (gnomAD no frequency). This variant has not been reported in the literature in individuals affected with ITPA-related conditions. Algorithms developed to predict the effect of missense changes on protein structure and function (SIFT, PolyPhen-2, Align-GVGD) all suggest that this variant is likely to be disruptive. In summary, the available evidence is currently insufficient to determine the role of this variant in disease. Therefore, it has been classified as a Variant of Uncertain Significance.

NM_033453.4(ITPA):c.526T>C (p.Ser176Pro)

Gene: ITPA (inosine triphosphatase; plus strand). Cytogenetic location: 20p13.
Variant type: single nucleotide variant.
Coding change: c.526T>C on transcript NM_033453.4 (MANE Select); coding-DNA position 526, T replaced by C.
Protein change: p.Ser176Pro; replaces serine 176 with proline.
Molecular consequence: missense variant. On other transcripts: synonymous variant (4), non-coding transcript variant (2), intron variant (1).
Genome position (GRCh38, 1-based): chr20:3,223,403, T>C. VCF-style: chr20-3223403-T-C. GRCh37 (hg19) VCF-style: chr20-3204049-T-C.
Other names: c.403T>C, p.Ser135Pro (NM_001267623.2); c.189T>C, p.Ser63= (NM_001324236.2, NM_001324237.2, NM_001324238.2 and 1 more transcripts); c.475T>C, p.Ser159Pro (NM_181493.4); c.412-3280T>C (NM_001324240.2); short protein forms S159P, S135P, S176P.
Identifiers: ClinVar variation 1448325 (VCV001448325.5), dbSNP rs959247434, ClinGen allele CA310980000.